The following is an entry in ClinVar:

ClinVar aggregate classification (germline): Likely benign. Review status: criteria provided, multiple submitters, no conflicts (2 of 4 stars). 2 submissions from 2 submitters: Likely benign (2). Last evaluated 2026-07-28.

Conditions:
TNFAIP3-related disorder. Also called: TNFAIP3-related condition.

Submissions (2):

PreventionGenetics, part of Exact Sciences
Classification: Likely benign for TNFAIP3-related condition. Last evaluated: 2026-07-28. Review status: criteria provided, single submitter. Criteria: ACMG Guidelines, 2015. Collection method: clinical testing. Allele origin: germline.
Comment: This variant is classified as likely benign based on ACMG/AMP sequence variant interpretation guidelines (Richards et al. 2015 PMID: 25741868, with internal and published modifications).

Blueprint Genetics
Classification: Likely benign. Last evaluated: 2020-02-23. Review status: criteria provided, single submitter. Criteria: ACMG Guidelines, 2015. Collection method: clinical testing. Allele origin: germline.

NM_001270508.2(TNFAIP3):c.2358G>A (p.Lys786=)

Gene: TNFAIP3 (TNF alpha induced protein 3; plus strand). Cytogenetic location: 6q23.3.
Variant type: single nucleotide variant.
Coding change: c.2358G>A on transcript NM_001270508.2 (MANE Select); coding-DNA position 2358, G replaced by A.
Protein change: p.Lys786=; no amino-acid change (lysine 786 retained).
Molecular consequence: synonymous variant.
Genome position (GRCh38, 1-based): chr6:137,881,304, G>A. VCF-style: chr6-137881304-G-A. GRCh37 (hg19) VCF-style: chr6-138202441-G-A.
Other names: c.2358G>A (NM_006290.3); c.2358G>A, p.Lys786= (NM_001270507.2, NM_006290.4).
Identifiers: ClinVar variation 4894158 (VCV004894158.2).